The following is an entry in ClinVar:

NM_033026.6(PCLO):c.14209C>A (p.Leu4737Ile)

Gene: PCLO (piccolo presynaptic cytomatrix protein; minus strand). Cytogenetic location: 7q21.11.
Variant type: single nucleotide variant.
Coding change: c.14209C>A on transcript NM_033026.6 (MANE Select); coding-DNA position 14209, C replaced by A.
Protein change: p.Leu4737Ile; replaces leucine 4737 with isoleucine.
Molecular consequence: missense variant.
Genome position (GRCh38, 1-based): chr7:82,838,231, G>T on the plus strand (C>A on the coding strand, the complement: PCLO is on the minus strand). VCF-style: chr7-82838231-G-T. GRCh37 (hg19) VCF-style: chr7-82467547-G-T.
Other names: c.14209C>A (NM_033026.5); c.14209C>A, p.Leu4737Ile (NM_014510.3); short protein forms L4737I.
Identifiers: ClinVar variation 1493269 (VCV001493269.29), dbSNP rs199650110, ClinGen allele CA4318905.

ClinVar aggregate classification (germline): Uncertain significance. Review status: criteria provided, multiple submitters, no conflicts (2 of 4 stars). 4 submissions from 4 submitters: Uncertain significance (4). Last evaluated 2024-01-24.

Conditions:
Inborn genetic diseases. Identifiers: MedGen C0950123, MeSH D030342.

Allele frequency attached by ClinVar (database versions not stated): gnomAD exomes 0.00015 and 0.00027; TOPMed 0.00016; 1000 Genomes Project 0.00020; gnomAD 0.00021 and 0.00022; ExAC 0.00025; ESP Exome Variant Server 0.00034; 1000 Genomes Project 30x 0.00047.
gnomAD v4.1: 451 of 1,600,288 alleles (0.028%); highest among the groups gnomAD compares: Non-Finnish European, 0.033%; no homozygotes.

Submissions (4):

Ambry Genetics
Classification: Uncertain significance for Inborn genetic diseases. Last evaluated: 2024-01-24. Review status: criteria provided, single submitter. Criteria: Ambry Variant Classification Scheme 2023. Collection method: clinical testing. Allele origin: germline.

CeGaT Center for Human Genetics Tuebingen
Classification: Uncertain significance. Last evaluated: 2023-10-01. Review status: criteria provided, single submitter. Criteria: CeGaT Center For Human Genetics Tuebingen Variant Classification Criteria Version 2. Collection method: clinical testing. Allele origin: germline. Affected: yes. Observed: 1 variant allele.

Women's Health and Genetics/Laboratory Corporation of America, LabCorp
Classification: Uncertain significance. Last evaluated: 2023-08-28. Review status: criteria provided, single submitter. Criteria: LabCorp Variant Classification Summary - May 2015. Collection method: clinical testing. Allele origin: germline.
Comment: Variant summary: PCLO c.14209C>A (p.Leu4737Ile) results in a conservative amino acid change located in the C2 domain (IPR000008) of the encoded protein sequence. Three of five in-silico tools predict a damaging effect of the variant on protein function. The variant allele was found at a frequency of 0.00015 in 237636 control chromosomes (gnomAD). To our knowledge, no occurrence of c.14209C>A in individuals affected with Pontocerebellar Hypoplasia Type 3 and no experimental evidence demonstrating its impact on protein function have been reported. One submitter has cited clinical-significance assessments for this variant to ClinVar after 2014 and has classified the variant as uncertain significance. Based on the evidence outlined above, the variant was classified as uncertain significance.

Labcorp Genetics (formerly Invitae), Labcorp
Classification: Uncertain significance. Last evaluated: 2022-08-16. Review status: criteria provided, single submitter. Criteria: Invitae Variant Classification Sherloc (09022015). Collection method: clinical testing. Allele origin: germline.
Comment: This sequence change replaces leucine, which is neutral and non-polar, with isoleucine, which is neutral and non-polar, at codon 4737 of the PCLO protein (p.Leu4737Ile). This variant is present in population databases (rs199650110, gnomAD 0.07%). This variant has not been reported in the literature in individuals affected with PCLO-related conditions. ClinVar contains an entry for this variant (Variation ID: 1493269). Algorithms developed to predict the effect of missense changes on protein structure and function are either unavailable or do not agree on the potential impact of this missense change (SIFT: "Deleterious"; PolyPhen-2: "Not Available"; Align-GVGD: "Class C0"). In summary, the available evidence is currently insufficient to determine the role of this variant in disease. Therefore, it has been classified as a Variant of Uncertain Significance.